The following is an entry in ClinVar:

NM_001393769.1(MED12L):c.1846G>T (p.Ala616Ser)

Gene: MED12L (mediator complex subunit 12L; plus strand). Cytogenetic location: 3q25.1.
Variant type: single nucleotide variant.
Coding change: c.1846G>T on transcript NM_001393769.1 (MANE Select); coding-DNA position 1846, G replaced by T.
Protein change: p.Ala616Ser; replaces alanine 616 with serine.
Molecular consequence: missense variant.
Genome position (GRCh38, 1-based): chr3:151,190,809, G>T. VCF-style: chr3-151190809-G-T. GRCh37 (hg19) VCF-style: chr3-150908596-G-T.
Other names: c.1846G>T, p.Ala616Ser (NM_053002.6); short protein forms A616S.
Identifiers: ClinVar variation 2637733 (VCV002637733.1), dbSNP rs1161292258, ClinGen allele CA354961165.

ClinVar aggregate classification (germline): Uncertain significance (1 of 4 stars; one submission).

Allele frequency attached by ClinVar (database versions not stated): gnomAD 0.00001.
gnomAD v4.1: 1 of 1,614,000 alleles (0.000062%); highest among the groups gnomAD compares: Admixed American, 0.0017%; no homozygotes.

Submission:

Women's Health and Genetics/Laboratory Corporation of America, LabCorp
Classification: Uncertain significance. Last evaluated: 2023-10-13. Review status: criteria provided, single submitter. Criteria: LabCorp Variant Classification Summary - May 2015. Collection method: clinical testing. Allele origin: germline.
Comment: Variant summary: MED12L c.1846G>T (p.Ala616Ser) results in a conservative amino acid change located in the mediator complex, subunit Med12, LCEWAV-domain (IPR021990) of the encoded protein sequence. Four of five in-silico tools predict a benign effect of the variant on protein function. The variant was absent in 251352 control chromosomes (gnomAD). The available data on variant occurrences in the general population are insufficient to allow any conclusion about variant significance. To our knowledge, no occurrence of c.1846G>T in individuals affected with Nizon-Isidor Syndrome and no experimental evidence demonstrating its impact on protein function have been reported. No submitters have cited clinical-significance assessments for this variant to ClinVar after 2014. Based on the evidence outlined above, the variant was classified as uncertain significance.